The following is an entry in ClinVar:

ClinVar aggregate classification (germline): Uncertain significance (1 of 4 stars; one submission).

Conditions:
Duchenne muscular dystrophy (DMD). Also called: Duchenne Muscular Dystrophy (DMD); MUSCULAR DYSTROPHY, PSEUDOHYPERTROPHIC PROGRESSIVE, DUCHENNE TYPE. Identifiers: Orphanet 98896, MedGen C0013264, MONDO:0010679, OMIM 310200.

Submission:

Labcorp Genetics (formerly Invitae), Labcorp
Classification: Uncertain significance for Duchenne muscular dystrophy. Last evaluated: 2019-09-23. Review status: criteria provided, single submitter. Criteria: Invitae Variant Classification Sherloc (09022015). Collection method: clinical testing. Allele origin: germline.
Comment: In summary, the available evidence is currently insufficient to determine the role of this variant in disease. Therefore, it has been classified as a Variant of Uncertain Significance. Algorithms developed to predict the effect of missense changes on protein structure and function (SIFT, PolyPhen-2, Align-GVGD) all suggest that this variant is likely to be disruptive, but these predictions have not been confirmed by published functional studies and their clinical significance is uncertain. This variant has not been reported in the literature in individuals with DMD-related conditions. This variant is not present in population databases (ExAC no frequency). This sequence change replaces lysine with threonine at codon 3312 of the DMD protein (p.Lys3312Thr). The lysine residue is highly conserved and there is a moderate physicochemical difference between lysine and threonine.

NM_004006.3(DMD):c.9935A>C (p.Lys3312Thr)

Gene: DMD (dystrophin; minus strand). Cytogenetic location: Xp21.2.
Variant type: single nucleotide variant.
Coding change: c.9935A>C on transcript NM_004006.3 (MANE Select); coding-DNA position 9935, A replaced by C.
Protein change: p.Lys3312Thr; replaces lysine 3312 with threonine.
Molecular consequence: missense variant.
Genome position (GRCh38, 1-based): chrX:31,182,777, T>G on the plus strand (A>C on the coding strand, the complement: DMD is on the minus strand). VCF-style: chrX-31182777-T-G. GRCh37 (hg19) VCF-style: chrX-31200894-T-G.
Other names: c.9911A>C, p.Lys3304Thr (NM_000109.4); c.9923A>C, p.Lys3308Thr (NM_004009.3); c.9566A>C, p.Lys3189Thr (NM_004010.3); c.5912A>C, p.Lys1971Thr (NM_004011.4); c.5903A>C, p.Lys1968Thr (NM_004012.4); c.2555A>C, p.Lys852Thr (NM_004013.3, NM_004020.4, NM_004021.3 and 2 more transcripts); c.1748A>C, p.Lys583Thr (NM_004014.3); c.731A>C, p.Lys244Thr (NM_004015.3, NM_004016.3, NM_004017.3 and 2 more transcripts); short protein forms K1968T, K3308T, K3312T, K244T, K3189T, K583T, K1971T, K852T.
Identifiers: ClinVar variation 946883 (VCV000946883.10), dbSNP rs2041299896, ClinGen allele CA412653355.
Genomic context (GRCh38, chrX:31,182,777, plus strand): 5'-TTTTTTTTTGGTTCCTAATACCTGAATCCAATGATTGGACACTCTTTGCAGATGTTACAT[T>G]TGGCCTGATGCTTGGCAGTTTCTGCAGCAGCCACTCTGTGCAGGACGGGCAGCCACACCA-3'
Protein context (NP_003997.2, residues 3302-3322): AAAETAKHQA[Lys3312Thr]CNICKECPII